The following is an entry in ClinVar:

NM_138576.4(BCL11B):c.1943G>T (p.Gly648Val)

Gene: BCL11B (BCL11 transcription factor B; minus strand). Cytogenetic location: 14q32.2.
Variant type: single nucleotide variant.
Coding change: c.1943G>T on transcript NM_138576.4 (MANE Select); coding-DNA position 1943, G replaced by T.
Protein change: p.Gly648Val; replaces glycine 648 with valine.
Molecular consequence: missense variant.
Genome position (GRCh38, 1-based): chr14:99,174,893, C>A on the plus strand (G>T on the coding strand, the complement: BCL11B is on the minus strand). VCF-style: chr14-99174893-C-A. GRCh37 (hg19) VCF-style: chr14-99641230-C-A.
Other names: c.1940G>T, p.Gly647Val (NM_001282237.2); c.1727G>T, p.Gly576Val (NM_001282238.2); c.1730G>T, p.Gly577Val (NM_022898.3); short protein forms G576V, G647V, G648V, G577V.
Identifiers: ClinVar variation 3701042 (VCV003701042.2).

ClinVar aggregate classification (germline): Uncertain significance (1 of 4 stars; one submission).

Submission:

Labcorp Genetics (formerly Invitae), Labcorp
Classification: Uncertain significance. Last evaluated: 2024-10-16. Review status: criteria provided, single submitter. Criteria: Invitae Variant Classification Sherloc (09022015). Collection method: clinical testing. Allele origin: germline.
Comment: This sequence change replaces glycine, which is neutral and non-polar, with valine, which is neutral and non-polar, at codon 648 of the BCL11B protein (p.Gly648Val). This variant is present in population databases (no rsID available, gnomAD 0.3%). This variant has not been reported in the literature in individuals affected with BCL11B-related conditions. Invitae Evidence Modeling of protein sequence and biophysical properties (such as structural, functional, and spatial information, amino acid conservation, physicochemical variation, residue mobility, and thermodynamic stability) indicates that this missense variant is not expected to disrupt BCL11B protein function with a negative predictive value of 95%. In summary, the available evidence is currently insufficient to determine the role of this variant in disease. Therefore, it has been classified as a Variant of Uncertain Significance.